The following is an entry in ClinVar:

ClinVar aggregate classification (germline): Uncertain significance (1 of 4 stars; one submission).

Conditions:
Cardiomyopathy (CMYO). Also called: Cardiomyopathies. Identifiers: Orphanet 167848, MedGen C0878544, MONDO:0004994, HP:0001638. Inheritance: Various modes of inheritance.

Submission:

Color Diagnostics, LLC DBA Color Health
Classification: Uncertain significance for Cardiomyopathy. Last evaluated: 2023-12-05. Review status: criteria provided, single submitter. Criteria: ACMG Guidelines, 2015. Collection method: clinical testing. Allele origin: germline.
Comment: This variant deletes 2 nucleotides in exon 28 of the MYH7 gene, creating a frameshift and premature translation stop signal. This variant is expected to result in an absent or non-functional protein product. To our knowledge, this variant has not been reported in individuals affected with MYH7-related disorders in the literature. This variant has not been identified in the general population by the Genome Aggregation Database (gnomAD). Clinical relevance of loss-of-function MYH7 truncation variants in autosomal dominant cardiovascular disorders is not clearly established. The available evidence is insufficient to determine the role of this variant in disease conclusively. Therefore, this variant is classified as a Variant of Uncertain Significance.

NM_000257.4(MYH7):c.3745_3746del (p.Cys1249fs)

Gene: MYH7 (myosin heavy chain 7; minus strand). Cytogenetic location: 14q11.2.
Variant type: Microsatellite.
Coding change: c.3745_3746del on transcript NM_000257.4 (MANE Select); coding-DNA positions 3745 to 3746, 2 bases deleted (TG; older notation c.3745_3746delTG).
Protein change: p.Cys1249fs; shifts the reading frame from cysteine 1249.
Molecular consequence: frameshift variant.
Genome position (GRCh38, 1-based): chr14:23,419,590-23,419,591, CA deleted on the plus strand (TG on the coding strand, the reverse complement: MYH7 is on the minus strand); deleting any 2 consecutive bases within chr14:23,419,590-23,419,593 gives the same sequence; the c. name uses the placement nearest the transcript's 3' end. VCF-style (leftmost placement, unchanged base first): chr14-23419589-GCA-G. GRCh37 (hg19) VCF-style: chr14-23888798-GCA-G.
Other names: c.3745_3746del, p.Cys1249fs (NM_001407004.1); short protein forms C1249fs.
Identifiers: ClinVar variation 2773903 (VCV002773903.2), dbSNP rs2502262169, ClinGen allele CA2697553856.
Genomic context (GRCh38, chr14:23,419,589, plus strand): 5'-AGAACGCTGGGTCTCCTCCGCCTTGCTCCGGTGCTCATTCATCTGGTCTTCCAAGGTCCG[GCA>G]CATCTTCTCCAGGTTAGCCTGAGAAGGGAAGGAGAGTTATATGATGGATGTTGGGGGCGG-3'